The following is an entry in ClinVar:

ClinVar aggregate classification (germline): Uncertain significance (1 of 4 stars; one submission).

Conditions:
Microphthalmia, isolated, with coloboma 6 (MCOPCB6). Also called: MICROPHTHALMIA/COLOBOMA 6; Microphthalmia with coloboma 6, digenic; Microphthalmia with coloboma 6. Identifiers: Orphanet 98938, MedGen C3150968, MONDO:0013376, OMIM 613703.
Leber congenital amaurosis 17 (LCA17). Identifiers: Orphanet 65, MedGen C3715164, MONDO:0014145, OMIM 615360.
Isolated microphthalmia 4. Identifiers: Orphanet 2542, MedGen C2751307, MONDO:0013130, OMIM 613094.
Klippel-Feil syndrome 1, autosomal dominant (KFS1). Also called: CERVICAL VERTEBRAL FUSION, AUTOSOMAL DOMINANT. Identifiers: Orphanet 2345, MedGen C1861689, MONDO:0007306, OMIM 118100.

Submission:

Labcorp Genetics (formerly Invitae), Labcorp
Classification: Uncertain significance for Isolated microphthalmia 4; Leber congenital amaurosis 17; Klippel-Feil syndrome 1, autosomal dominant; Microphthalmia, isolated, with coloboma 6. Last evaluated: 2024-06-17. Review status: criteria provided, single submitter. Criteria: Invitae Variant Classification Sherloc (09022015). Collection method: clinical testing. Allele origin: germline.
Comment: This sequence change replaces glycine, which is neutral and non-polar, with serine, which is neutral and polar, at codon 266 of the GDF6 protein (p.Gly266Ser). This variant is not present in population databases (gnomAD no frequency). This variant has not been reported in the literature in individuals affected with GDF6-related conditions. Advanced modeling of protein sequence and biophysical properties (such as structural, functional, and spatial information, amino acid conservation, physicochemical variation, residue mobility, and thermodynamic stability) performed at Invitae indicates that this missense variant is not expected to disrupt GDF6 protein function with a negative predictive value of 80%. In summary, the available evidence is currently insufficient to determine the role of this variant in disease. Therefore, it has been classified as a Variant of Uncertain Significance.

NM_001001557.4(GDF6):c.796G>A (p.Gly266Ser)

Gene: GDF6 (growth differentiation factor 6; minus strand). Cytogenetic location: 8q22.1.
Variant type: single nucleotide variant.
Coding change: c.796G>A on transcript NM_001001557.4 (MANE Select); coding-DNA position 796, G replaced by A.
Protein change: p.Gly266Ser; replaces glycine 266 with serine.
Molecular consequence: missense variant.
Genome position (GRCh38, 1-based): chr8:96,145,135, C>T on the plus strand (G>A on the coding strand, the complement: GDF6 is on the minus strand). VCF-style: chr8-96145135-C-T. GRCh37 (hg19) VCF-style: chr8-97157363-C-T.
Other names: short protein forms G266S.
Identifiers: ClinVar variation 3757980 (VCV003757980.2).